The following is an entry in ClinVar:

ClinVar aggregate classification (germline): Uncertain significance (1 of 4 stars; one submission).

gnomAD v4.1: 1 of 1,613,528 alleles (0.000062%); no homozygotes.

Submission:

Ambry Genetics
Classification: Uncertain significance. Last evaluated: 2023-04-25. Review status: criteria provided, single submitter. Criteria: Ambry Variant Classification Scheme 2023. Collection method: clinical testing. Allele origin: germline.
Comment: The p.A358S variant (also known as c.1072G>T), located in coding exon 7 of the POLQ gene, results from a G to T substitution at nucleotide position 1072. The alanine at codon 358 is replaced by serine, an amino acid with similar properties. This amino acid position is conserved. In addition, this alteration is predicted to be tolerated by in silico analysis. Since supporting evidence is limited at this time, the clinical significance of this alteration remains unclear.

NM_199420.4(POLQ):c.1072G>T (p.Ala358Ser)

Gene: POLQ (DNA polymerase theta; minus strand). Cytogenetic location: 3q13.33.
Variant type: single nucleotide variant.
Coding change: c.1072G>T on transcript NM_199420.4 (MANE Select); coding-DNA position 1072, G replaced by T.
Protein change: p.Ala358Ser; replaces alanine 358 with serine.
Molecular consequence: missense variant.
Genome position (GRCh38, 1-based): chr3:121,529,681, C>A on the plus strand (G>T on the coding strand, the complement: POLQ is on the minus strand). VCF-style: chr3-121529681-C-A. GRCh37 (hg19) VCF-style: chr3-121248528-C-A.
Other names: short protein forms A358S.
Identifiers: ClinVar variation 2560554 (VCV002560554.2), dbSNP rs2546816957, ClinGen allele CA354124412.